The following is an entry in ClinVar:

NM_013432.5(TONSL):c.1015C>T (p.Arg339Cys)

Gene: TONSL (tonsoku like, DNA repair protein; minus strand). Cytogenetic location: 8q24.3.
Variant type: single nucleotide variant.
Coding change: c.1015C>T on transcript NM_013432.5 (MANE Select); coding-DNA position 1015, C replaced by T.
Protein change: p.Arg339Cys; replaces arginine 339 with cysteine.
Molecular consequence: missense variant.
Genome position (GRCh38, 1-based): chr8:144,440,867, G>A on the plus strand (C>T on the coding strand, the complement: TONSL is on the minus strand). VCF-style: chr8-144440867-G-A. GRCh37 (hg19) VCF-style: chr8-145666250-G-A.
Other names: short protein forms R339C.
Identifiers: ClinVar variation 1440074 (VCV001440074.8), dbSNP rs749028352, ClinGen allele CA187675108.
Genomic context (GRCh38, chr8:144,440,867, plus strand): 5'-CCAGGGACACGTGGATGATGGCCCGCTCAGCACCCGGTCTGTCCAGCAGCTCAGCAAAAC[G>A]CAGCTGGGGGCAGTGCCAGTGAGGCCAGGGGCTGCCACCCTGGCCAGGCCTCGTCAACCT-3'
Protein context (NP_038460.4, residues 329-349): RAAEAYQKQL[Arg339Cys]FAELLDRPGA

ClinVar aggregate classification (germline): Uncertain significance (1 of 4 stars; one submission).

Allele frequency attached by ClinVar (database versions not stated): gnomAD 0.00002; TOPMed 0.00004.
gnomAD v4.1: 18 of 1,612,556 alleles (0.0011%); highest among the groups gnomAD compares: African/African-American, 0.013%; no homozygotes.

Submission:

Labcorp Genetics (formerly Invitae), Labcorp
Classification: Uncertain significance. Last evaluated: 2022-08-31. Review status: criteria provided, single submitter. Criteria: Invitae Variant Classification Sherloc (09022015). Collection method: clinical testing. Allele origin: germline.
Comment: In summary, the available evidence is currently insufficient to determine the role of this variant in disease. Therefore, it has been classified as a Variant of Uncertain Significance. Algorithms developed to predict the effect of missense changes on protein structure and function are either unavailable or do not agree on the potential impact of this missense change (SIFT: "Deleterious"; PolyPhen-2: "Benign"; Align-GVGD: "Class C15"). ClinVar contains an entry for this variant (Variation ID: 1440074). This variant has not been reported in the literature in individuals affected with TONSL-related conditions. This variant is present in population databases (no rsID available, gnomAD 0.008%). This sequence change replaces arginine, which is basic and polar, with cysteine, which is neutral and slightly polar, at codon 339 of the TONSL protein (p.Arg339Cys).